The following is an entry in ClinVar:

ClinVar aggregate classification (germline): Uncertain significance (1 of 4 stars; one submission).

Conditions:
Immunodeficiency 132A. Also called: Herpes simplex encephalitis, susceptibility to, 3. Identifiers: Orphanet 1930, MedGen C3553868, MONDO:0013920, OMIM 614849.

gnomAD v4.1: 1 of 1,613,704 alleles (0.000062%); highest among the groups gnomAD compares: Non-Finnish European, 0.000085%; no homozygotes.

Submission:

Labcorp Genetics (formerly Invitae), Labcorp
Classification: Uncertain significance for Immunodeficiency 132A. Last evaluated: 2023-09-10. Review status: criteria provided, single submitter. Criteria: Invitae Variant Classification Sherloc (09022015). Collection method: clinical testing. Allele origin: germline.
Comment: In summary, the available evidence is currently insufficient to determine the role of this variant in disease. Therefore, it has been classified as a Variant of Uncertain Significance. An algorithm developed to predict the effect of missense changes on protein structure and function (PolyPhen-2) suggests that this variant is likely to be tolerated. This variant has not been reported in the literature in individuals affected with TRAF3-related conditions. This variant is not present in population databases (gnomAD no frequency). This sequence change replaces threonine, which is neutral and polar, with arginine, which is basic and polar, at codon 378 of the TRAF3 protein (p.Thr378Arg).

NM_145725.3(TRAF3):c.1133C>G (p.Thr378Arg)

Gene: TRAF3 (TNF receptor associated factor 3; plus strand). Cytogenetic location: 14q32.32.
Variant type: single nucleotide variant.
Coding change: c.1133C>G on transcript NM_145725.3 (MANE Select); coding-DNA position 1133, C replaced by G.
Protein change: p.Thr378Arg; replaces threonine 378 with arginine.
Molecular consequence: missense variant.
Genome position (GRCh38, 1-based): chr14:102,903,427, C>G. VCF-style: chr14-102903427-C-G. GRCh37 (hg19) VCF-style: chr14-103369764-C-G.
Other names: c.884C>G, p.Thr295Arg (NM_001199427.2); c.992C>G, p.Thr331Arg (NM_001385142.1); c.1052C>G, p.Thr351Arg (NM_001385143.1); c.1133C>G, p.Thr378Arg (NM_003300.4); c.1058C>G, p.Thr353Arg (NM_145726.3); short protein forms T295R, T331R, T378R, T351R, T353R.
Identifiers: ClinVar variation 2759988 (VCV002759988.3), dbSNP rs2542621161, ClinGen allele CA391074982.